The following is an entry in ClinVar:

NM_033641.4(COL4A6):c.4333+34C>G

Gene: COL4A6 (collagen type IV alpha 6 chain; minus strand). Cytogenetic location: Xq22.3.
Variant type: single nucleotide variant.
Coding change: c.4333+34C>G on transcript NM_033641.4 (MANE Select); 34 bases into the intron after coding-DNA position 4333, C replaced by G.
Molecular consequence: intron variant.
Genome position (GRCh38, 1-based): chrX:108,161,585, G>C on the plus strand (C>G on the coding strand, the complement: COL4A6 is on the minus strand). VCF-style: chrX-108161585-G-C. GRCh37 (hg19) VCF-style: chrX-107404815-G-C.
Other names: c.4336+34C>G (NM_001847.4); c.4162+34C>G (NM_001287760.2); c.4261+34C>G (NM_001287759.2); c.4384+34C>G (NM_001287758.2).
Identifiers: ClinVar variation 682799 (VCV000682799.2), dbSNP rs749072437, ClinGen allele CA10487213.

ClinVar aggregate classification (germline): Benign. Review status: criteria provided, multiple submitters, no conflicts (2 of 4 stars). 2 submissions from 2 submitters: Benign (2). Last evaluated 2018-06-13.

Submissions (2):

GeneDx
Classification: Benign. Last evaluated: 2018-06-13. Review status: criteria provided, single submitter. Criteria: GeneDx Variant Classification (06012015). Collection method: clinical testing. Allele origin: germline. Affected: yes.
Comment: This variant is considered likely benign or benign based on one or more of the following criteria: it is a conservative change, it occurs at a poorly conserved position in the protein, it is predicted to be benign by multiple in silico algorithms, and/or has population frequency not consistent with disease.

Breakthrough Genomics
Classification: Benign. Review status: criteria provided, single submitter. Criteria: ACMG Guidelines, 2015. Collection method: not provided. Allele origin: germline. Inheritance: X-linked inheritance. Affected: yes.